The following is an entry in ClinVar:

ClinVar aggregate classification (germline): Likely pathogenic. Review status: criteria provided, multiple submitters, no conflicts (2 of 4 stars). 2 submissions from 2 submitters: Likely pathogenic (2). Last evaluated 2025-11-27.

Conditions:
PYGM-related disorder. Also called: PYGM-related condition.
Glycogen storage disease, type V (GSD5). Also called: MCARDLE DISEASE; MUSCLE GLYCOGEN PHOSPHORYLASE DEFICIENCY; MYOPHOSPHORYLASE DEFICIENCY; PYGM DEFICIENCY; McArdle type glycogen storage disease. Identifiers: Orphanet 368, MedGen C0017924, MONDO:0009293, OMIM 232600.

Submissions (2):

Dasa
Classification: Likely pathogenic for Glycogen storage disease, type V. Last evaluated: 2025-11-27. Review status: criteria provided, single submitter. Criteria: DASA Assertion Criteria. Collection method: clinical testing. Allele origin: germline.
Comment: NM_005609.4(PYGM):c.1347dup (p.Ser450Valfs*25) is a frameshift variant in PYGM predicted to alter the reading frame and introduce a premature termination codon and is predicted to result in an absent or altered protein product. Loss of function is an established disease mechanism for PYGM-associated disorders. Also, this variant is absent from population databases. Based on the currently available evidence, this variant is classified as likely pathogenic.

Blueprint Genetics
Classification: Likely pathogenic for PYGM-related disorders. Last evaluated: 2019-01-24. Review status: criteria provided, single submitter. Criteria: ACMG Guidelines, 2015. Collection method: clinical testing. Allele origin: germline. Affected: yes. Observed: 1 variant allele.

NM_005609.4(PYGM):c.1347dup (p.Ser450fs)

Gene: PYGM (glycogen phosphorylase, muscle associated; minus strand). Cytogenetic location: 11q13.1.
Variant type: Duplication.
Coding change: c.1347dup on transcript NM_005609.4 (MANE Select); coding-DNA position 1347, one base duplicated (G; older notation c.1347dupG).
Protein change: p.Ser450fs; shifts the reading frame from serine 450.
Molecular consequence: frameshift variant.
Genome position (GRCh38, 1-based): chr11:64,753,575, C duplicated on the plus strand (G on the coding strand, the reverse complement: PYGM is on the minus strand); the first of 4 consecutive C bases (chr11:64,753,575-64,753,578); duplicating any one gives the same sequence. VCF-style (leftmost placement, unchanged base first): chr11-64753574-A-AC. GRCh37 (hg19) VCF-style: chr11-64521046-A-AC.
Other names: c.1083dup, p.Ser362fs (NM_001164716.1); short protein forms S362fs, S450fs.
Identifiers: ClinVar variation 4880573 (VCV004880573.3).
Genomic context (GRCh38, chr11:64,753,574, plus strand): 5'-CTCACATGGTCTTCTTGAGGATCTCGGAGTGGATGCGCGCCACGCCGTTGACGGCGTGCG[A>AC]CCCCGCGATGCACAGGTGTGCCATGTTGATGCGCTTCACTGCGCCCTCCTCCACCAGCGA-3'